The following is an entry in ClinVar:

ClinVar aggregate classification (germline): Uncertain significance (1 of 4 stars; one submission).

Allele frequency attached by ClinVar (database versions not stated): TOPMed below 0.00001.

Submission:

Ambry Genetics
Classification: Uncertain significance. Last evaluated: 2023-10-26. Review status: criteria provided, single submitter. Criteria: Ambry Variant Classification Scheme 2023. Collection method: clinical testing. Allele origin: germline.
Comment: The p.S1595C variant (also known as c.4784C>G), located in coding exon 42 of the KIF1B gene, results from a C to G substitution at nucleotide position 4784. The serine at codon 1595 is replaced by cysteine, an amino acid with dissimilar properties. This amino acid position is not well conserved in available vertebrate species. In addition, this alteration is predicted to be tolerated by in silico analysis. Since supporting evidence is limited at this time, the clinical significance of this alteration remains unclear.

NM_001365951.3(KIF1B):c.4922C>G (p.Ser1641Cys)

Gene: KIF1B (kinesin family member 1B; plus strand). Cytogenetic location: 1p36.22.
Variant type: single nucleotide variant.
Coding change: c.4922C>G on transcript NM_001365951.3 (MANE Select); coding-DNA position 4922, C replaced by G.
Protein change: p.Ser1641Cys; replaces serine 1641 with cysteine.
Molecular consequence: missense variant.
Genome position (GRCh38, 1-based): chr1:10,371,238, C>G. VCF-style: chr1-10371238-C-G. GRCh37 (hg19) VCF-style: chr1-10431296-C-G.
Other names: c.4922C>G, p.Ser1641Cys (NM_001365952.1); c.4784C>G, p.Ser1595Cys (NM_015074.3); short protein forms S1641C, S1595C.
Identifiers: ClinVar variation 1743061 (VCV001743061.2), dbSNP rs748589511, ClinGen allele CA338327845.